The following is an entry in ClinVar:

NM_001261826.3(AP3D1):c.2798A>G (p.Lys933Arg)

Gene: AP3D1 (adaptor related protein complex 3 subunit delta 1; minus strand). Cytogenetic location: 19p13.3.
Variant type: single nucleotide variant.
Coding change: c.2798A>G on transcript NM_001261826.3 (MANE Select); coding-DNA position 2798, A replaced by G.
Protein change: p.Lys933Arg; replaces lysine 933 with arginine.
Molecular consequence: missense variant.
Genome position (GRCh38, 1-based): chr19:2,111,818, T>C on the plus strand (A>G on the coding strand, the complement: AP3D1 is on the minus strand). VCF-style: chr19-2111818-T-C. GRCh37 (hg19) VCF-style: chr19-2111817-T-C.
Other names: c.2762A>G, p.Lys921Arg (NM_001374799.1); c.2612A>G, p.Lys871Arg (NM_003938.8); c.2612A>G (NM_003938.5); short protein forms K933R, K871R, K921R.
Identifiers: ClinVar variation 1488374 (VCV001488374.9), dbSNP rs556612715, ClinGen allele CA9058710.

ClinVar aggregate classification (germline): Uncertain significance. Review status: criteria provided, multiple submitters, no conflicts (2 of 4 stars). 2 submissions from 2 submitters: Uncertain significance (2). Last evaluated 2025-08-29.

Conditions:
Inborn genetic diseases. Identifiers: MedGen C0950123, MeSH D030342.

Allele frequency attached by ClinVar (database versions not stated): gnomAD 0.00001; gnomAD exomes 0.00002 and 0.00004; ExAC 0.00003; TOPMed 0.00005.
gnomAD v4.1: 44 of 1,613,772 alleles (0.0027%); highest among the groups gnomAD compares: African/African-American, 0.012%; no homozygotes.

Submissions (2):

Ambry Genetics
Classification: Uncertain significance for Inborn genetic diseases. Last evaluated: 2025-08-29. Review status: criteria provided, single submitter. Criteria: Ambry Variant Classification Scheme 2023. Collection method: clinical testing. Allele origin: germline.

Labcorp Genetics (formerly Invitae), Labcorp
Classification: Uncertain significance. Last evaluated: 2024-01-25. Review status: criteria provided, single submitter. Criteria: Invitae Variant Classification Sherloc (09022015). Collection method: clinical testing. Allele origin: germline.
Comment: This sequence change replaces lysine, which is basic and polar, with arginine, which is basic and polar, at codon 933 of the AP3D1 protein (p.Lys933Arg). This variant is present in population databases (rs556612715, gnomAD 0.01%). This variant has not been reported in the literature in individuals affected with AP3D1-related conditions. ClinVar contains an entry for this variant (Variation ID: 1488374). Algorithms developed to predict the effect of missense changes on protein structure and function output the following: SIFT: "Not Available"; PolyPhen-2: "Benign"; Align-GVGD: "Not Available". The arginine amino acid residue is found in multiple mammalian species, which suggests that this missense change does not adversely affect protein function. In summary, the available evidence is currently insufficient to determine the role of this variant in disease. Therefore, it has been classified as a Variant of Uncertain Significance.